The following is an entry in ClinVar:

ClinVar aggregate classification (germline): Conflicting classifications of pathogenicity. Review status: criteria provided, conflicting classifications (1 of 4 stars). 3 submissions from 3 submitters: Uncertain significance (1); Likely benign (2). Last evaluated 2025-11-08.

Allele frequency attached by ClinVar (database versions not stated): gnomAD exomes below 0.00001; ExAC 0.00002; TOPMed 0.00005; gnomAD 0.00007 and 0.00009.

Submissions (3):

Labcorp Genetics (formerly Invitae), Labcorp
Classification: Likely benign. Last evaluated: 2025-11-08. Review status: criteria provided, single submitter. Criteria: Invitae Variant Classification Sherloc (09022015). Collection method: clinical testing. Allele origin: germline.

GeneDx
Classification: Uncertain significance. Last evaluated: 2024-10-04. Review status: criteria provided, single submitter. Criteria: GeneDx Variant Classification Process June 2021. Collection method: clinical testing. Allele origin: germline. Affected: yes.
Comment: Not observed at significant frequency in large population cohorts (gnomAD); In silico analysis supports that this variant does not alter splicing; Has not been previously published as pathogenic or benign to our knowledge

Blueprint Genetics
Classification: Likely benign. Last evaluated: 2024-09-11. Review status: criteria provided, single submitter. Criteria: ACMG Guidelines, 2015. Collection method: clinical testing. Allele origin: germline.

NM_016366.3(CABP2):c.516C>T (p.Ile172=)

Gene: CABP2 (calcium binding protein 2; minus strand). Cytogenetic location: 11q13.2.
Variant type: single nucleotide variant.
Coding change: c.516C>T on transcript NM_016366.3 (MANE Select); coding-DNA position 516, C replaced by T.
Protein change: p.Ile172=; no amino-acid change (isoleucine 172 retained).
Molecular consequence: synonymous variant.
Genome position (GRCh38, 1-based): chr11:67,519,914, G>A on the plus strand (C>T on the coding strand, the complement: CABP2 is on the minus strand). VCF-style: chr11-67519914-G-A. GRCh37 (hg19) VCF-style: chr11-67287385-G-A.
Other names: c.534C>T, p.Ile178= (NM_001318496.2).
Identifiers: ClinVar variation 738775 (VCV000738775.10), dbSNP rs757281872, ClinGen allele CA6142400.